The following is an entry in ClinVar:

NM_007180.3(TREH):c.192A>G (p.Glu64=)

Gene: TREH (trehalase; minus strand). Cytogenetic location: 11q23.3.
Variant type: single nucleotide variant.
Coding change: c.192A>G on transcript NM_007180.3 (MANE Select); coding-DNA position 192, A replaced by G.
Protein change: p.Glu64=; no amino-acid change (glutamic acid 64 retained).
Molecular consequence: synonymous variant.
Genome position (GRCh38, 1-based): chr11:118,663,195, T>C on the plus strand (A>G on the coding strand, the complement: TREH is on the minus strand). VCF-style: chr11-118663195-T-C. GRCh37 (hg19) VCF-style: chr11-118533904-T-C.
Other names: c.192A>G, p.Glu64= (NM_001301065.2).
Identifiers: ClinVar variation 3048760 (VCV003048760.2), dbSNP rs115405278, ClinGen allele CA6308205.
Genomic context (GRCh38, chr11:118,663,195, plus strand): 5'-CTCCCTGGGGATGCTGTGATTGTGGTCCCTGGACAGCTCAGTGAAGGTCTGCAGGACTTG[T>C]TCTGGAGAGCAGGCAGCAGGGAGGGGTCAGCAGGGTGTCACAAGCCACTCCCTAATCACA-3'
Protein context (NP_009111.2, residues 54-74): FVDMPLSIAP[Glu64=]QVLQTFTELS

ClinVar aggregate classification (germline): Likely benign (0 of 4 stars; one submission).

Conditions:
TREH-related disorder. Also called: TREH-related condition.

Allele frequency attached by ClinVar (database versions not stated): gnomAD exomes 0.00017; ExAC 0.00082; ESP Exome Variant Server 0.00193; gnomAD 0.00200; TOPMed 0.00234; 1000 Genomes Project 0.00240; 1000 Genomes Project 30x 0.00281.
gnomAD v4.1: 552 of 1,607,226 alleles (0.034%); highest among the groups gnomAD compares: African/African-American, 0.7%; 3 homozygotes.

Submission:

PreventionGenetics, part of Exact Sciences
Classification: Likely benign for TREH-related condition. Last evaluated: 2020-02-05. Review status: no assertion criteria provided. Collection method: clinical testing. Allele origin: germline.
Comment: This variant is classified as likely benign based on ACMG/AMP sequence variant interpretation guidelines (Richards et al. 2015 PMID: 25741868, with internal and published modifications).